The following is an entry in ClinVar:

NM_006384.4(CIB1):c.555-45G>A

Gene: CIB1 (calcium and integrin binding 1; minus strand). Cytogenetic location: 15q26.1.
Variant type: single nucleotide variant.
Coding change: c.555-45G>A on transcript NM_006384.4 (MANE Select); 45 bases into the intron before coding-DNA position 555, G replaced by A.
Molecular consequence: intron variant.
Genome position (GRCh38, 1-based): chr15:90,230,550, C>T on the plus strand (G>A on the coding strand, the complement: CIB1 is on the minus strand). VCF-style: chr15-90230550-C-T. GRCh37 (hg19) VCF-style: chr15-90773782-C-T.
Other names: c.675-45G>A (NM_001277764.2).
Identifiers: ClinVar variation 2688352 (VCV002688352.2), dbSNP rs2073706, ClinGen allele CA7734119.

ClinVar aggregate classification (germline): Benign (1 of 4 stars; one submission).

Allele frequency attached by ClinVar (database versions not stated): ESP Exome Variant Server 0.41251; TOPMed 0.48088; gnomAD 0.48717; gnomAD exomes 0.50274; ExAC 0.53806; 1000 Genomes Project 30x 0.57355; 1000 Genomes Project 0.57947.
gnomAD v4.1: 776,431 of 1,548,520 alleles (50%); highest among the groups gnomAD compares: East Asian, 78%; 199,009 homozygotes.

Submission:

Unidad de Genómica Garrahan, Hospital de Pediatría Garrahan
Classification: Benign. Last evaluated: 2024-01-24. Review status: criteria provided, single submitter. Criteria: ACMG Guidelines, 2015. Collection method: clinical testing. Allele origin: germline. Affected: no. Observed: 70 variant alleles.
Comment: This variant is classified as Benign based on local population frequency. This variant was detected in 80% of patients studied by a panel of primary immunodeficiencies. Number of patients: 70. Only high quality variants are reported.